The following is an entry in ClinVar:

NM_004385.5(VCAN):c.4127C>G (p.Pro1376Arg)

Genes: VCAN (versican; plus strand), VCAN-AS1 (VCAN antisense RNA 1; minus strand). Cytogenetic location: 5q14.3.
Variant type: single nucleotide variant.
Coding change: c.4127C>G on transcript NM_004385.5 (MANE Select); coding-DNA position 4127, C replaced by G.
Protein change: p.Pro1376Arg; replaces proline 1376 with arginine.
Molecular consequence: missense variant. On other transcripts: intron variant (2).
Genome position (GRCh38, 1-based): chr5:83,537,130, C>G. VCF-style: chr5-83537130-C-G. GRCh37 (hg19) VCF-style: chr5-82832949-C-G.
Other names: c.1166C>G, p.Pro389Arg (NM_001164097.2); c.4004-8407C>G (NM_001164098.2); c.1043-8407C>G (NM_001126336.3); c.4127C>G (NM_004385.4); short protein forms P1376R, P389R.
Identifiers: ClinVar variation 1463150 (VCV001463150.7), dbSNP rs1746745482, ClinGen allele CA360307562.

ClinVar aggregate classification (germline): Uncertain significance. Review status: criteria provided, multiple submitters, no conflicts (2 of 4 stars). 2 submissions from 2 submitters: Uncertain significance (2). Last evaluated 2022-08-19.

Conditions:
Inborn genetic diseases. Identifiers: MedGen C0950123, MeSH D030342.

Allele frequency attached by ClinVar (database versions not stated): gnomAD exomes below 0.00001.
gnomAD v4.1: 2 of 1,613,766 alleles (0.00012%); highest among the groups gnomAD compares: African/African-American, 0.0027%; no homozygotes.

Submissions (2):

Labcorp Genetics (formerly Invitae), Labcorp
Classification: Uncertain significance. Last evaluated: 2022-08-19. Review status: criteria provided, single submitter. Criteria: Invitae Variant Classification Sherloc (09022015). Collection method: clinical testing. Allele origin: germline.
Comment: This sequence change replaces proline, which is neutral and non-polar, with arginine, which is basic and polar, at codon 1376 of the VCAN protein (p.Pro1376Arg). This variant is not present in population databases (gnomAD no frequency). This variant has not been reported in the literature in individuals affected with VCAN-related conditions. ClinVar contains an entry for this variant (Variation ID: 1463150). Algorithms developed to predict the effect of missense changes on protein structure and function are either unavailable or do not agree on the potential impact of this missense change (SIFT: "Deleterious"; PolyPhen-2: "Possibly Damaging"; Align-GVGD: "Class C0"). In summary, the available evidence is currently insufficient to determine the role of this variant in disease. Therefore, it has been classified as a Variant of Uncertain Significance.

Ambry Genetics
Classification: Uncertain significance for Inborn genetic diseases. Last evaluated: 2021-09-27. Review status: criteria provided, single submitter. Criteria: Ambry Variant Classification Scheme 2023. Collection method: clinical testing. Allele origin: germline.